The following is an entry in ClinVar:

ClinVar aggregate classification (germline): Pathogenic (1 of 4 stars; one submission).

Conditions:
Combined oxidative phosphorylation deficiency 60. Identifiers: MedGen C6012722, MONDO:0978298, OMIM 621195.

Submission:

Mendelics
Classification: Pathogenic for Combined oxidative phosphorylation deficiency 60. Last evaluated: 2026-03-05. Review status: criteria provided, single submitter. Criteria: ACMG Guidelines, 2015. Collection method: clinical testing. Allele origin: unknown.
Comment: Likely pathogenic/Pathogenic according to ACMG criteria.

NM_004927.4(MRPL49):c.499_500insTT (p.Ter167PheextTer?)

Gene: MRPL49 (mitochondrial ribosomal protein L49; plus strand). Cytogenetic location: 11q13.1.
Variant type: Insertion.
Coding change: c.499_500insTT on transcript NM_004927.4 (MANE Select); coding-DNA positions 499 to 500, TT inserted.
Protein change: p.Ter167PheextTer?.
Molecular consequence: frameshift variant, stop lost. On other transcripts: non-coding transcript variant (2).
Genome position: GRCh38 VCF-style: chr11-65125869-C-CTT. GRCh37 (hg19) VCF-style: chr11-64893341-C-CTT.
Identifiers: ClinVar variation 4813538 (VCV004813538.1).
Genomic context (GRCh38, chr11:65,125,869, plus strand): 5'-CCTACGGATCAAGGGCTACTTTGACCAGGAGCTTAAAGCCTGGCTCTTGGAGAAAGGCTT[C>CTT]TGAGGCCCAGCCGAGCAGCCTGCTTGTCAGCATGCCCTGTGGATCAAGTCTAGGGGGCCT-3'